The following is an entry in ClinVar:

ClinVar aggregate classification (germline): Uncertain significance (1 of 4 stars; one submission).

Allele frequency attached by ClinVar (database versions not stated): gnomAD exomes below 0.00001; TOPMed below 0.00001.
gnomAD v4.1: 1 of 1,614,000 alleles (0.000062%); highest among the groups gnomAD compares: African/African-American, 0.0013%; no homozygotes.

Submission:

Ambry Genetics
Classification: Uncertain significance. Last evaluated: 2022-06-11. Review status: criteria provided, single submitter. Criteria: Ambry Variant Classification Scheme 2023. Collection method: clinical testing. Allele origin: germline.
Comment: The p.C1808Y variant (also known as c.5423G>A), located in coding exon 5 of the ALPK2 gene, results from a G to A substitution at nucleotide position 5423. The cysteine at codon 1808 is replaced by tyrosine, an amino acid with highly dissimilar properties. This amino acid position is conserved. In addition, this alteration is predicted to be deleterious by in silico analysis. Since supporting evidence is limited at this time, the clinical significance of this alteration remains unclear.

NM_052947.4(ALPK2):c.5423G>A (p.Cys1808Tyr)

Gene: ALPK2 (alpha kinase 2; minus strand). Cytogenetic location: 18q21.31.
Variant type: single nucleotide variant.
Coding change: c.5423G>A on transcript NM_052947.4 (MANE Select); coding-DNA position 5423, G replaced by A.
Protein change: p.Cys1808Tyr; replaces cysteine 1808 with tyrosine.
Molecular consequence: missense variant.
Genome position (GRCh38, 1-based): chr18:58,529,169, C>T on the plus strand (G>A on the coding strand, the complement: ALPK2 is on the minus strand). VCF-style: chr18-58529169-C-T. GRCh37 (hg19) VCF-style: chr18-56196401-C-T.
Other names: short protein forms C1808Y.
Identifiers: ClinVar variation 1747454 (VCV001747454.2), dbSNP rs1249641074, ClinGen allele CA402554051.